The following is an entry in ClinVar:

ClinVar aggregate classification (germline): Benign (1 of 4 stars; one submission).

Allele frequency attached by ClinVar (database versions not stated): 1000 Genomes Project 30x 0.03670; 1000 Genomes Project 0.03754; TOPMed 0.06038; gnomAD 0.06700 and 0.06875.
gnomAD v4.1: 10,154 of 152,286 alleles (6.7%); highest among the groups gnomAD compares: Non-Finnish European, 9.9%; 468 homozygotes.

Submission:

GeneDx
Classification: Benign. Last evaluated: 2018-06-14. Review status: criteria provided, single submitter. Criteria: GeneDx Variant Classification (06012015). Collection method: clinical testing. Allele origin: germline. Affected: yes.
Comment: This variant is considered likely benign or benign based on one or more of the following criteria: it is a conservative change, it occurs at a poorly conserved position in the protein, it is predicted to be benign by multiple in silico algorithms, and/or has population frequency not consistent with disease.

NM_152415.3(VPS37A):c.970-256G>A

Gene: VPS37A (VPS37A subunit of ESCRT-I; plus strand). Cytogenetic location: 8p22.
Variant type: single nucleotide variant.
Coding change: c.970-256G>A on transcript NM_152415.3 (MANE Select); 256 bases into the intron before coding-DNA position 970, G replaced by A.
Molecular consequence: intron variant.
Genome position (GRCh38, 1-based): chr8:17,284,217, G>A. VCF-style: chr8-17284217-G-A. GRCh37 (hg19) VCF-style: chr8-17141726-G-A.
Other names: c.682-256G>A (NM_001363172.2, NM_001363170.1, NM_001363171.1); c.970-256G>A (NM_001363173.2); c.700-256G>A (NM_001363168.1, NM_001363169.1); c.952-256G>A (NM_001363167.1); c.895-256G>A (NM_001145152.2).
Identifiers: ClinVar variation 671133 (VCV000671133.1), dbSNP rs73208583, ClinGen allele CA12831467.